The following is an entry in ClinVar:

ClinVar aggregate classification (germline): Uncertain significance. Review status: criteria provided, multiple submitters, no conflicts (2 of 4 stars). 2 submissions from 2 submitters: Uncertain significance (2). Last evaluated 2024-10-08.

Allele frequency attached by ClinVar (database versions not stated): TOPMed below 0.00001; gnomAD 0.00001.
gnomAD v4.1: 6 of 1,401,122 alleles (0.00043%); highest among the groups gnomAD compares: Non-Finnish European, 0.00056%; no homozygotes.

Submissions (2):

Labcorp Genetics (formerly Invitae), Labcorp
Classification: Uncertain significance. Last evaluated: 2024-10-08. Review status: criteria provided, single submitter. Criteria: Invitae Variant Classification Sherloc (09022015). Collection method: clinical testing. Allele origin: germline.
Comment: This sequence change replaces methionine, which is neutral and non-polar, with valine, which is neutral and non-polar, at codon 23 of the USP7 protein (p.Met23Val). The frequency data for this variant in the population databases is considered unreliable, as metrics indicate poor data quality at this position in the gnomAD database. This variant has not been reported in the literature in individuals affected with USP7-related conditions. ClinVar contains an entry for this variant (Variation ID: 2570929). An algorithm developed to predict the effect of missense changes on protein structure and function (PolyPhen-2) suggests that this variant is likely to be tolerated. In summary, the available evidence is currently insufficient to determine the role of this variant in disease. Therefore, it has been classified as a Variant of Uncertain Significance.

CeGaT Center for Human Genetics Tuebingen
Classification: Uncertain significance. Last evaluated: 2023-04-01. Review status: criteria provided, single submitter. Criteria: CeGaT Center For Human Genetics Tuebingen Variant Classification Criteria Version 2. Collection method: clinical testing. Allele origin: germline. Affected: yes. Observed: 1 variant allele.
Comment: USP7: PP2, BP5

NM_003470.3(USP7):c.67A>G (p.Met23Val)

Genes: USP7 (ubiquitin specific peptidase 7; minus strand), USP7-AS1 (USP7 antisense RNA 1; plus strand). Cytogenetic location: 16p13.2.
Variant type: single nucleotide variant.
Coding change: c.67A>G on transcript NM_003470.3 (MANE Select); coding-DNA position 67, A replaced by G.
Protein change: p.Met23Val; replaces methionine 23 with valine.
Molecular consequence: missense variant.
Genome position (GRCh38, 1-based): chr16:8,963,219, T>C on the plus strand (A>G on the coding strand, the complement: USP7 is on the minus strand). VCF-style: chr16-8963219-T-C. GRCh37 (hg19) VCF-style: chr16-9057076-T-C.
Other names: short protein forms M23V.
Identifiers: ClinVar variation 2570929 (VCV002570929.29), dbSNP rs1455760136, ClinGen allele CA394693083.